The following is an entry in ClinVar:

ClinVar aggregate classification (germline): Conflicting classifications of pathogenicity. Review status: criteria provided, conflicting classifications (1 of 4 stars). 17 submissions from 13 submitters: Uncertain significance (4); Benign (4); Likely benign (7). 2 of the submissions do not count toward it. Last evaluated 2026-02-03.

Conditions:
TTN-related disorder. Also called: TTN-related condition; TTN-related disease; TTN-related disorders.
Cardiovascular phenotype. Identifiers: MedGen CN230736.
Dilated cardiomyopathy 1G (CMD1G). Identifiers: Orphanet 154, MedGen C1858763, MONDO:0011400, OMIM 604145.
Autosomal recessive limb-girdle muscular dystrophy type 2J (LGMDR10). Also called: Limb-girdle muscular dystrophy, type 2J; MUSCULAR DYSTROPHY, LIMB-GIRDLE, AUTOSOMAL RECESSIVE 10. Identifiers: Orphanet 140922, MedGen C1837342, MONDO:0012127, OMIM 608807.
Cardiomyopathy (CMYO). Also called: Cardiomyopathies. Identifiers: Orphanet 167848, MedGen C0878544, MONDO:0004994, HP:0001638. Inheritance: Various modes of inheritance.
Myopathy, myofibrillar, 9, with early respiratory failure (MFM9). Also called: Hereditary myopathy with early respiratory failure; EDSTROM MYOPATHY; MYOPATHY, PROXIMAL, WITH EARLY RESPIRATORY MUSCLE INVOLVEMENT; Myopathy, distal, with early respiratory failure, autosomal dominant. Identifiers: Orphanet 178464, Orphanet 34521, MedGen C1863599, MONDO:0011362, OMIM 603689.
Early-onset myopathy with fatal cardiomyopathy (CMYO5). Also called: CONGENITAL MYOPATHY 5 WITH CARDIOMYOPATHY; Salih Myopathy. Identifiers: Orphanet 289377, MedGen C2673677, MONDO:0012714, OMIM 611705. Disease mechanism: loss of function.
Tibial muscular dystrophy (TMD). Also called: Udd Distal Myopathy – Tibial Muscular Dystrophy; UDD MYOPATHY; Tibial muscular dystrophy, tardive. Identifiers: Orphanet 609, MedGen C1838244, MONDO:0010870, OMIM 600334.
Amyloidosis, hereditary systemic 1 (AMYLD1). Also called: Isolated Cardiac Amyloidosis; Amyloid Cardiomyopathy, Transthyretin-related; Hereditary oculoleptomeningeal amyloid angiopathy; Familial Transthyretin Amyloidosis; AMYLOID CARDIOMYOPATHY; Hereditary Transthyretin Amyloidosis. Identifiers: Orphanet 85447, Orphanet 85451, MedGen C2751492, MONDO:0971004, OMIM 105210.

Allele frequency attached by ClinVar (database versions not stated): gnomAD 0.00009 and 0.00011; TOPMed 0.00019; gnomAD exomes 0.00026; 1000 Genomes Project 30x 0.00031; ExAC 0.00032; 1000 Genomes Project 0.00040.
gnomAD v4.1: 202 of 1,613,736 alleles (0.013%); highest among the groups gnomAD compares: East Asian, 0.39%; 1 homozygote.

Submissions (17):

Labcorp Genetics (formerly Invitae), Labcorp
Classification: Benign for Dilated cardiomyopathy 1G; Autosomal recessive limb-girdle muscular dystrophy type 2J. Last evaluated: 2026-02-03. Review status: criteria provided, single submitter. Criteria: Invitae Variant Classification Sherloc (09022015). Collection method: clinical testing. Allele origin: germline.

Women's Health and Genetics/Laboratory Corporation of America, LabCorp
Classification: Likely benign. Last evaluated: 2025-11-12. Review status: criteria provided, single submitter. Criteria: LabCorp Variant Classification Summary - May 2015. Collection method: clinical testing. Allele origin: germline.
Comment: Variant summary: TTN c.84305T>C (p.Ile28102Thr) results in a non-conservative amino acid change in the encoded protein sequence. Algorithms developed to predict the effect of missense changes on protein structure and function are either unavailable or do not agree on the potential impact of this missense change. The variant allele was found at a frequency of 0.00026 in 248874 control chromosomes, predominantly at a frequency of 0.0035 within the East Asian subpopulation in the gnomAD database. The observed variant frequency within East Asian control individuals in the gnomAD database exceeds the estimated maximal expected allele frequency for disease-causing variants in TTN. c.84305T>C has been observed in individuals affected with Cardiomyopathy, without strong evidence for causality (Dai_2019, Yuan_2024). These reports do not provide unequivocal conclusions about association of the variant with Dilated Cardiomyopathy. To our knowledge, no experimental evidence demonstrating an impact on protein function has been reported. The following publications have been ascertained in the context of this evaluation (PMID: 30993396, 38165464). ClinVar contains an entry for this variant (Variation ID: 191854). Based on the evidence outlined above, the variant was classified as likely benign.

PreventionGenetics, part of Exact Sciences
Classification: Likely benign for TTN-related condition. Last evaluated: 2025-09-04. Review status: criteria provided, single submitter. Criteria: ACMG Guidelines, 2015. Collection method: clinical testing. Allele origin: germline.
Comment: This variant is classified as likely benign based on ACMG/AMP sequence variant interpretation guidelines (Richards et al. 2015 PMID: 25741868, with internal and published modifications).

Mayo Clinic Laboratories, Mayo Clinic
Classification: Likely benign. Last evaluated: 2025-03-28. Review status: criteria provided, single submitter. Criteria: ACMG Guidelines, 2015. Collection method: clinical testing. Allele origin: germline. Observed: 1 variant allele.
Comment: BS1

Blueprint Genetics
Classification: Likely benign. Last evaluated: 2024-05-08. Review status: criteria provided, single submitter. Criteria: ACMG Guidelines, 2015. Collection method: clinical testing. Allele origin: germline.

CHEO Genetics Diagnostic Laboratory, Children's Hospital of Eastern Ontario
Classification: Benign for Cardiomyopathy. Last evaluated: 2021-05-13. Review status: criteria provided, single submitter. Criteria: ACMG Guidelines, 2015. Collection method: clinical testing. Allele origin: germline.

GeneDx
Classification: Likely benign. Last evaluated: 2019-09-10. Review status: criteria provided, single submitter. Criteria: GeneDx Variant Classification Process June 2021. Collection method: clinical testing. Allele origin: germline. Affected: yes.
Comment: This variant is associated with the following publications: (PMID: 23861362)

Center for Advanced Laboratory Medicine, UC San Diego Health, University of California San Diego
Classification: Likely benign for Hereditary transthyretin amyloidosis. Last evaluated: 2019-05-20. Review status: criteria provided, single submitter. Criteria: ACMG Guidelines, 2015. Collection method: clinical testing. Allele origin: germline. Affected: yes. Observed: 2 variant alleles.

Ambry Genetics
Classification: Likely benign for Cardiovascular phenotype. Last evaluated: 2019-05-15. Review status: criteria provided, single submitter. Criteria: Ambry Variant Classification Scheme 2023. Collection method: clinical testing. Allele origin: germline.

Illumina Laboratory Services, Illumina
Classification: Benign for Tibial muscular dystrophy. Last evaluated: 2018-01-13. Review status: criteria provided, single submitter. Criteria: ICSL Variant Classification Criteria 13 December 2019. Collection method: clinical testing. Allele origin: germline.
Comment: This variant was observed in the ICSL laboratory as part of a predisposition screen in an ostensibly healthy population. It had not been previously curated by ICSL or reported in the Human Gene Mutation Database (HGMD: prior to June 1st, 2018), and was therefore a candidate for classification through an automated scoring system. Utilizing variant allele frequency, disease prevalence and penetrance estimates, and inheritance mode, an automated score was calculated to assess if this variant is too frequent to cause the disease. Based on the score and internal cut-off values, a variant classified as benign is not then subjected to further curation. The score for this variant resulted in a classification of benign for this disease.

Illumina Laboratory Services, Illumina
Classification: Uncertain significance for Dilated cardiomyopathy 1G. Last evaluated: 2018-01-13. Review status: criteria provided, single submitter. Criteria: ICSL Variant Classification Criteria 13 December 2019. Collection method: clinical testing. Allele origin: germline.

Illumina Laboratory Services, Illumina
Classification: Benign for Myopathy, myofibrillar, 9, with early respiratory failure. Last evaluated: 2018-01-13. Review status: criteria provided, single submitter. Criteria: ICSL Variant Classification Criteria 13 December 2019. Collection method: clinical testing. Allele origin: germline.
Comment: the same text as in the submission from Illumina Laboratory Services, Illumina above.

Illumina Laboratory Services, Illumina
Classification: Uncertain significance for Autosomal recessive limb-girdle muscular dystrophy type 2J. Last evaluated: 2018-01-13. Review status: criteria provided, single submitter. Criteria: ICSL Variant Classification Criteria 13 December 2019. Collection method: clinical testing. Allele origin: germline.

Illumina Laboratory Services, Illumina
Classification: Uncertain significance for Early-onset myopathy with fatal cardiomyopathy. Last evaluated: 2018-01-13. Review status: criteria provided, single submitter. Criteria: ICSL Variant Classification Criteria 13 December 2019. Collection method: clinical testing. Allele origin: germline.

Biesecker Lab/Clinical Genomics Section, National Institutes of Health
Classification: Uncertain significance. Last evaluated: 2013-06-24. Review status: criteria provided, single submitter. Criteria: Ng et al. (Circ Cardiovasc Genet. 2013). Collection method: research. Allele origin: unknown. Observed: 1 variant allele. Study: ClinSeq.
Comment: The study set was not selected for affection status in relation to any cancer. Pathogenicity categories were based on literature curation. See Pubmed ID:23861362 for details.

Medical sequencing

Clinical Genetics DNA and cytogenetics Diagnostics Lab, Erasmus MC, Erasmus Medical Center
Classification: Likely benign. Review status: no assertion criteria provided. Collection method: clinical testing. Allele origin: germline. Affected: yes. Study: VKGL Data-share Consensus. Not counted in ClinVar's aggregate classification.

Clinical Genetics, Academic Medical Center
Classification: Benign. Review status: no assertion criteria provided. Collection method: clinical testing. Allele origin: germline. Affected: yes. Study: VKGL Data-share Consensus. Not counted in ClinVar's aggregate classification.

Literature cited by the submitters: PubMed 30993396 (cited by Women's Health and Genetics/Laboratory Corporation of America, LabCorp); PubMed 38165464 (cited by Women's Health and Genetics/Laboratory Corporation of America, LabCorp).

NM_001267550.2(TTN):c.92009T>C (p.Ile30670Thr)

Genes: TTN (titin; minus strand), TTN-AS1 (TTN antisense RNA 1; plus strand). Cytogenetic location: 2q31.2.
Variant type: single nucleotide variant.
Coding change: c.92009T>C on transcript NM_001267550.2 (MANE Select); coding-DNA position 92009, T replaced by C.
Protein change: p.Ile30670Thr; replaces isoleucine 30670 with threonine.
Molecular consequence: missense variant.
Genome position (GRCh38, 1-based): chr2:178,549,713, A>G on the plus strand (T>C on the coding strand, the complement: TTN is on the minus strand). VCF-style: chr2-178549713-A-G. GRCh37 (hg19) VCF-style: chr2-179414440-A-G.
Other names: p.Ile28102Thr; c.87086T>C, p.Ile29029Thr (NM_001256850.1); c.64814T>C, p.Ile21605Thr (NM_003319.4); c.84305T>C, p.Ile28102Thr (NM_133378.4); c.65189T>C, p.Ile21730Thr (NM_133432.3); c.65390T>C, p.Ile21797Thr (NM_133437.4); short protein forms I28102T, I30670T, I29029T, I21797T, I21605T, I21730T.
Identifiers: ClinVar variation 191854 (VCV000191854.34), dbSNP rs369342933, ClinGen allele CA237707.